The following is an entry in ClinVar:

ClinVar aggregate classification (germline): Uncertain significance (1 of 4 stars; one submission).

Allele frequency attached by ClinVar (database versions not stated): gnomAD exomes below 0.00001; ExAC 0.00001; gnomAD 0.00001; TOPMed 0.00002; ESP Exome Variant Server 0.00015.
gnomAD v4.1: 2 of 1,614,018 alleles (0.00012%); highest among the groups gnomAD compares: African/African-American, 0.0013%; no homozygotes.

Submission:

Labcorp Genetics (formerly Invitae), Labcorp
Classification: Uncertain significance. Last evaluated: 2025-04-21. Review status: criteria provided, single submitter. Criteria: Invitae Variant Classification Sherloc (09022015). Collection method: clinical testing. Allele origin: germline.
Comment: This sequence change replaces histidine, which is basic and polar, with arginine, which is basic and polar, at codon 1752 of the RP1 protein (p.His1752Arg). This variant is present in population databases (rs372573736, gnomAD no frequency). This variant has not been reported in the literature in individuals affected with RP1-related conditions. ClinVar contains an entry for this variant (Variation ID: 1010423). An algorithm developed to predict the effect of missense changes on protein structure and function (PolyPhen-2) suggests that this variant is likely to be tolerated. In summary, the available evidence is currently insufficient to determine the role of this variant in disease. Therefore, it has been classified as a Variant of Uncertain Significance.

NM_006269.2(RP1):c.5255A>G (p.His1752Arg)

Genes: RP1 (RP1 axonemal microtubule associated; plus strand), LOC126860392 (CDK7 strongly-dependent group 2 enhancer GRCh37_chr8:55541319-55542518; plus strand). Cytogenetic location: 8q12.1.
Variant type: single nucleotide variant.
Coding change: c.5255A>G on transcript NM_006269.2 (MANE Select); coding-DNA position 5255, A replaced by G.
Protein change: p.His1752Arg; replaces histidine 1752 with arginine.
Molecular consequence: missense variant. On other transcripts: intron variant (1).
Genome position (GRCh38, 1-based): chr8:54,629,137, A>G. VCF-style: chr8-54629137-A-G. GRCh37 (hg19) VCF-style: chr8-55541697-A-G.
Other names: c.787+6849A>G (NM_001375654.1); short protein forms H1752R.
Identifiers: ClinVar variation 1010423 (VCV001010423.7), dbSNP rs372573736, ClinGen allele CA4752025.